The following is an entry in ClinVar:

ClinVar aggregate classification (germline): Uncertain significance. Review status: criteria provided, multiple submitters, no conflicts (2 of 4 stars). 2 submissions from 2 submitters: Uncertain significance (2). Last evaluated 2024-11-11.

Conditions:
Xanthinuria type II. Also called: Xanthine dehydrogenase and aldehyde oxidase combined deficiency of; XDH and AOX dual deficiency. Identifiers: Orphanet 3467, Orphanet 93602, MedGen C1863688, MONDO:0011346, OMIM 603592.
Hereditary xanthinuria type 1 (XAN1). Identifiers: Orphanet 3467, Orphanet 93601, MedGen C0268118, MONDO:0010209, OMIM 278300.

Allele frequency attached by ClinVar (database versions not stated): ExAC 0.00006; ESP Exome Variant Server 0.00008; gnomAD exomes 0.00008; gnomAD 0.00019; TOPMed 0.00020.
gnomAD v4.1: 146 of 1,614,112 alleles (0.009%); highest among the groups gnomAD compares: Admixed American, 0.048%; no homozygotes.

Submissions (2):

Labcorp Genetics (formerly Invitae), Labcorp
Classification: Uncertain significance for Xanthinuria type II. Last evaluated: 2024-11-11. Review status: criteria provided, single submitter. Criteria: Invitae Variant Classification Sherloc (09022015). Collection method: clinical testing. Allele origin: germline.
Comment: This sequence change replaces arginine, which is basic and polar, with tryptophan, which is neutral and slightly polar, at codon 607 of the XDH protein (p.Arg607Trp). This variant is present in population databases (rs201464771, gnomAD 0.02%). This variant has not been reported in the literature in individuals affected with XDH-related conditions. ClinVar contains an entry for this variant (Variation ID: 955843). An algorithm developed to predict the effect of missense changes on protein structure and function (PolyPhen-2) suggests that this variant is likely to be disruptive. In summary, the available evidence is currently insufficient to determine the role of this variant in disease. Therefore, it has been classified as a Variant of Uncertain Significance.

Fulgent Genetics
Classification: Uncertain significance for Hereditary xanthinuria type 1. Last evaluated: 2024-05-22. Review status: criteria provided, single submitter. Criteria: ACMG Guidelines, 2015. Collection method: clinical testing. Allele origin: germline.

NM_000379.4(XDH):c.1819C>T (p.Arg607Trp)

Gene: XDH (xanthine dehydrogenase; minus strand). Cytogenetic location: 2p23.1.
Variant type: single nucleotide variant.
Coding change: c.1819C>T on transcript NM_000379.4 (MANE Select); coding-DNA position 1819, C replaced by T.
Protein change: p.Arg607Trp; replaces arginine 607 with tryptophan.
Molecular consequence: missense variant.
Genome position (GRCh38, 1-based): chr2:31,372,265, G>A on the plus strand (C>T on the coding strand, the complement: XDH is on the minus strand). VCF-style: chr2-31372265-G-A. GRCh37 (hg19) VCF-style: chr2-31595131-G-A.
Other names: short protein forms R607W.
Identifiers: ClinVar variation 955843 (VCV000955843.10), dbSNP rs201464771, ClinGen allele CA1599073.